The following is an entry in ClinVar:

ClinVar aggregate classification (germline): Likely pathogenic. Review status: criteria provided, multiple submitters, no conflicts (2 of 4 stars). 3 submissions from 3 submitters: Likely pathogenic (2). 1 of the submissions does not count toward it. Last evaluated 2023-09-20.

Conditions:
Primary hyperoxaluria, type II (HP2). Also called: D-GLYCERATE DEHYDROGENASE DEFICIENCY; GLYCERIC ACIDURIA; GLYOXYLATE REDUCTASE/HYDROXYPYRUVATE REDUCTASE DEFICIENCY; OXALOSIS II; Primary hyperoxaluria type 2. Identifiers: Orphanet 416, Orphanet 93599, MedGen C0268165, MONDO:0009824, OMIM 260000. Disease mechanism: loss of function.

Allele frequency attached by ClinVar (database versions not stated): gnomAD exomes below 0.00001 and 0.00001; gnomAD 0.00001.

Submissions (3):

Labcorp Genetics (formerly Invitae), Labcorp
Classification: Likely pathogenic. Last evaluated: 2023-09-20. Review status: criteria provided, single submitter. Criteria: Invitae Variant Classification Sherloc (09022015). Collection method: clinical testing. Allele origin: germline.
Comment: This sequence change affects a splice site in intron 7 of the GRHPR gene. It is expected to disrupt RNA splicing. Variants that disrupt the donor or acceptor splice site typically lead to a loss of protein function (PMID: 16199547), and loss-of-function variants in GRHPR are known to be pathogenic (PMID: 25644115). This variant is present in population databases (no rsID available, gnomAD 0.006%). This variant has not been reported in the literature in individuals affected with GRHPR-related conditions. ClinVar contains an entry for this variant (Variation ID: 557083). Algorithms developed to predict the effect of sequence changes on RNA splicing suggest that this variant may disrupt the consensus splice site. In summary, the currently available evidence indicates that the variant is pathogenic, but additional data are needed to prove that conclusively. Therefore, this variant has been classified as Likely Pathogenic.

Fulgent Genetics
Classification: Likely pathogenic for Primary hyperoxaluria, type II. Last evaluated: 2021-12-23. Review status: criteria provided, single submitter. Criteria: ACMG Guidelines, 2015. Collection method: clinical testing. Allele origin: unknown.

Counsyl
Classification: Likely pathogenic for Primary hyperoxaluria, type II. Last evaluated: 2018-03-07. Review status: no assertion criteria provided. Collection method: clinical testing. Allele origin: unknown. Not counted in ClinVar's aggregate classification.

Literature cited by the submitters: PubMed 16199547 (cited by Labcorp Genetics (formerly Invitae), Labcorp); PubMed 25644115 (cited by Labcorp Genetics (formerly Invitae), Labcorp).

NM_012203.2(GRHPR):c.735-2del

Gene: GRHPR (glyoxylate and hydroxypyruvate reductase; plus strand). Cytogenetic location: 9p13.2.
Variant type: Deletion.
Coding change: c.735-2del on transcript NM_012203.2 (MANE Select); the canonical splice acceptor site of the intron before coding-DNA position 735, one base deleted (A; older notation c.735-2delA).
Molecular consequence: splice acceptor variant.
Genome position (GRCh38, 1-based): chr9:37,432,006, A deleted. VCF-style (leftmost placement, unchanged base first): chr9-37432005-CA-C. GRCh37 (hg19) VCF-style: chr9-37432002-CA-C.
Identifiers: ClinVar variation 557083 (VCV000557083.9), dbSNP rs1257080057, ClinGen allele CA587805025.
Genomic context (GRCh38, chr9:37,432,005, plus strand): 5'-GCCTCAAAGGTGGCCTGGGCGGAGGGATCTTCGGGGTACCCATGTCACCACTGTCATTCC[CA>C]GGGGCGACGTCGTAAACCAGGACGACCTGTACCAGGCCTTGGCCAGTGGTAAGATTGCAG-3'